The following is an entry in ClinVar:

NM_000051.4(ATM):c.1460T>G (p.Ile487Ser)

Gene: ATM (ATM serine/threonine kinase; plus strand). Cytogenetic location: 11q22.3.
Variant type: single nucleotide variant.
Coding change: c.1460T>G on transcript NM_000051.4 (MANE Select); coding-DNA position 1460, T replaced by G.
Protein change: p.Ile487Ser; replaces isoleucine 487 with serine.
Molecular consequence: missense variant.
Genome position (GRCh38, 1-based): chr11:108,250,925, T>G. VCF-style: chr11-108250925-T-G. GRCh37 (hg19) VCF-style: chr11-108121652-T-G.
Other names: c.1460T>G, p.Ile487Ser (NM_001351834.2); short protein forms I487S.
Identifiers: ClinVar variation 3325273 (VCV003325273.1).

ClinVar aggregate classification (germline): Uncertain significance (1 of 4 stars; one submission).

Conditions:
Hereditary cancer-predisposing syndrome. Also called: Neoplastic Syndromes, Hereditary; Tumor predisposition; Hereditary neoplastic syndrome; Hereditary Cancer Syndrome. Identifiers: Orphanet 140162, MedGen C0027672, MeSH D009386, MONDO:0015356.

Submission:

Ambry Genetics
Classification: Uncertain significance for Hereditary cancer-predisposing syndrome. Last evaluated: 2024-04-01. Review status: criteria provided, single submitter. Criteria: Ambry Variant Classification Scheme 2023. Collection method: clinical testing. Allele origin: germline.
Comment: The p.I487S variant (also known as c.1460T>G), located in coding exon 9 of the ATM gene, results from a T to G substitution at nucleotide position 1460. The isoleucine at codon 487 is replaced by serine, an amino acid with dissimilar properties. This amino acid position is conserved. In addition, this alteration is predicted to be deleterious by in silico analysis. Based on the available evidence, the clinical significance of this alteration remains unclear.